The following is an entry in ClinVar:

ClinVar aggregate classification (germline): Uncertain significance. Review status: criteria provided, multiple submitters, no conflicts (2 of 4 stars). 2 submissions from 2 submitters: Uncertain significance (2). Last evaluated 2020-08-20.

Conditions:
Lafora disease. Also called: Epilepsy progressive myoclonic 2. Identifiers: Orphanet 501, MedGen C0751783, MONDO:0009697.

Allele frequency attached by ClinVar (database versions not stated): gnomAD exomes 0.00001 and 0.00002; gnomAD 0.00002 and 0.00003; ExAC 0.00003; TOPMed 0.00003; 1000 Genomes Project 30x 0.00016; 1000 Genomes Project 0.00020.
gnomAD v4.1: 10 of 1,587,978 alleles (0.00063%); highest among the groups gnomAD compares: African/African-American, 0.008%; no homozygotes.

Submissions (2):

Labcorp Genetics (formerly Invitae), Labcorp
Classification: Uncertain significance for Lafora disease. Last evaluated: 2020-08-20. Review status: criteria provided, single submitter. Criteria: Invitae Variant Classification Sherloc (09022015). Collection method: clinical testing. Allele origin: germline.
Comment: In summary, the available evidence is currently insufficient to determine the role of this variant in disease. Therefore, it has been classified as a Variant of Uncertain Significance. Algorithms developed to predict the effect of missense changes on protein structure and function output the following: SIFT: "Deleterious"; PolyPhen-2: "Benign"; Align-GVGD: "Class C15". The phenylalanine amino acid residue is found in multiple mammalian species, suggesting that this missense change does not adversely affect protein function. These predictions have not been confirmed by published functional studies and their clinical significance is uncertain. This variant has not been reported in the literature in individuals with NHLRC1-related conditions. ClinVar contains an entry for this variant (Variation ID: 449073). This variant is present in population databases (rs553900705, ExAC 0.05%). This sequence change replaces leucine with phenylalanine at codon 66 of the NHLRC1 protein (p.Leu66Phe). The leucine residue is highly conserved and there is a small physicochemical difference between leucine and phenylalanine.

GeneDx
Classification: Uncertain significance. Last evaluated: 2017-07-31. Review status: criteria provided, single submitter. Criteria: GeneDx Variant Classification (06012015). Collection method: clinical testing. Allele origin: germline. Affected: yes.
Comment: A variant of uncertain significance has been identified in the NHLRC1 gene. The L66F variant has not been published as a pathogenic variant, nor has it been reported as a benign variant to our knowledge. The L66F variant is not observed at a significant frequency in large population cohorts (Lek et al., 2016; 1000 Genomes Consortium et al., 2015; Exome Variant Server). This substitution occurs at a position that is conserved across species. Multiple missense variants in nearby residues have been reported in Human Gene Mutation Database in association with autosomal recessive Lafora disease (LD) (Stenson et al., 2014), supporting the functional importance of this region of the protein. However, the L66F variant is a conservative amino acid substitution, which is not likely to impact secondary protein structure as these residues share similar properties. In silico analysis is inconsistent in its predictions as to whether or not the variant is damaging to the protein structure/function. Therefore, based on the currently available information, it is unclear whether this variant is a pathogenic variant or a rare benign variant.

NM_198586.3(NHLRC1):c.196C>T (p.Leu66Phe)

Gene: NHLRC1 (NHL repeat containing E3 ubiquitin protein ligase 1; minus strand). Cytogenetic location: 6p22.3.
Variant type: single nucleotide variant.
Coding change: c.196C>T on transcript NM_198586.3 (MANE Select); coding-DNA position 196, C replaced by T.
Protein change: p.Leu66Phe; replaces leucine 66 with phenylalanine.
Molecular consequence: missense variant.
Genome position (GRCh38, 1-based): chr6:18,122,411, G>A on the plus strand (C>T on the coding strand, the complement: NHLRC1 is on the minus strand). VCF-style: chr6-18122411-G-A. GRCh37 (hg19) VCF-style: chr6-18122642-G-A.
Other names: short protein forms L66F.
Identifiers: ClinVar variation 449073 (VCV000449073.10), dbSNP rs553900705, ClinGen allele CA3650030.